The following is an entry in ClinVar:

ClinVar aggregate classification (germline): Uncertain significance (1 of 4 stars; one submission).

gnomAD v4.1: 1 of 1,614,110 alleles (0.000062%); highest among the groups gnomAD compares: Admixed American, 0.0017%; no homozygotes.

Submission:

Labcorp Genetics (formerly Invitae), Labcorp
Classification: Uncertain significance. Last evaluated: 2025-06-14. Review status: criteria provided, single submitter. Criteria: Invitae Variant Classification Sherloc (09022015). Collection method: clinical testing. Allele origin: germline.
Comment: This sequence change creates a premature translational stop signal (p.Trp668*) in the COMP gene. It is expected to result in an absent or disrupted protein product. However, the current clinical and genetic evidence is not sufficient to establish whether loss-of-function variants in COMP cause disease. This variant is not present in population databases (gnomAD no frequency). This variant has not been reported in the literature in individuals affected with COMP-related conditions. In summary, the available evidence is currently insufficient to determine the role of this variant in disease. Therefore, it has been classified as a Variant of Uncertain Significance.

NM_000095.3(COMP):c.2003G>A (p.Trp668Ter)

Gene: COMP (cartilage oligomeric matrix protein; minus strand). Cytogenetic location: 19p13.11.
Variant type: single nucleotide variant.
Coding change: c.2003G>A on transcript NM_000095.3 (MANE Select); coding-DNA position 2003, G replaced by A.
Protein change: p.Trp668Ter; replaces tryptophan 668 with a stop codon.
Molecular consequence: nonsense.
Genome position (GRCh38, 1-based): chr19:18,784,275, C>T on the plus strand (G>A on the coding strand, the complement: COMP is on the minus strand). VCF-style: chr19-18784275-C-T. GRCh37 (hg19) VCF-style: chr19-18895085-C-T.
Other names: short protein forms W668*.
Identifiers: ClinVar variation 4749869 (VCV004749869.1).